The following is an entry in ClinVar:

NM_033028.5(BBS4):c.367G>A (p.Val123Ile)

Gene: BBS4 (Bardet-Biedl syndrome 4; plus strand). Cytogenetic location: 15q24.1.
Variant type: single nucleotide variant.
Coding change: c.367G>A on transcript NM_033028.5 (MANE Select); coding-DNA position 367, G replaced by A.
Protein change: p.Val123Ile; replaces valine 123 with isoleucine.
Molecular consequence: missense variant. On other transcripts: 5 prime UTR variant (1), non-coding transcript variant (2).
Genome position (GRCh38, 1-based): chr15:72,716,812, G>A. VCF-style: chr15-72716812-G-A. GRCh37 (hg19) VCF-style: chr15-73009153-G-A.
Other names: c.-155G>A (NM_001252678.2); c.367G>A, p.Val123Ile (NM_001320665.2); c.367G>A (NM_033028.4); short protein forms V123I.
Identifiers: ClinVar variation 2361409 (VCV002361409.3), dbSNP rs1402094354, ClinGen allele CA393077050.

ClinVar aggregate classification (germline): Uncertain significance. Review status: criteria provided, single submitter (1 of 4 stars). 2 submissions from 2 submitters: Uncertain significance (1). 1 of the submissions does not count toward it. Last evaluated 2022-06-03.

Conditions:
Inborn genetic diseases. Identifiers: MedGen C0950123, MeSH D030342.
BBS4-related disorder. Also called: BBS4-related condition.

Allele frequency attached by ClinVar (database versions not stated): TOPMed 0.00001.

Submissions (2):

Ambry Genetics
Classification: Uncertain significance for Inborn genetic diseases. Last evaluated: 2022-06-03. Review status: criteria provided, single submitter. Criteria: Ambry Variant Classification Scheme 2023. Collection method: clinical testing. Allele origin: germline.

PreventionGenetics, part of Exact Sciences
Classification: Uncertain significance for BBS4-related condition. Last evaluated: 2024-02-19. Review status: no assertion criteria provided. Collection method: clinical testing. Allele origin: germline. Not counted in ClinVar's aggregate classification.
Comment: The BBS4 c.367G>A variant is predicted to result in the amino acid substitution p.Val123Ile. To our knowledge, this variant has not been reported in the literature. This variant is reported in 0.00089% of alleles in individuals of European (Non-Finnish) descent in gnomAD. At this time, the clinical significance of this variant is uncertain due to the absence of conclusive functional and genetic evidence.